The following is an entry in ClinVar:

NM_000053.4(ATP7B):c.3413-12T>A

Gene: ATP7B (ATPase copper transporting beta; minus strand). Cytogenetic location: 13q14.3.
Variant type: single nucleotide variant.
Coding change: c.3413-12T>A on transcript NM_000053.4 (MANE Select); 12 bases into the intron before coding-DNA position 3413, T replaced by A.
Molecular consequence: intron variant.
Genome position (GRCh38, 1-based): chr13:51,941,236, A>T on the plus strand (T>A on the coding strand, the complement: ATP7B is on the minus strand). VCF-style: chr13-51941236-A-T. GRCh37 (hg19) VCF-style: chr13-52515372-A-T.
Other names: c.2927-12T>A (NM_001406541.1, NM_001406542.1); c.3161-12T>A (NM_001406531.1, NM_001406532.1, NM_001330579.2); c.3179-12T>A (NM_001406527.1, NM_001406528.1, NM_001330578.2); c.3074-12T>A (NM_001406537.1); c.3269-12T>A (NM_001406521.1, NM_001406522.1, NM_001406520.1); c.3407-12T>A (NM_001406513.1); c.3413-12T>A (NM_001406511.1, NM_001406512.1, NM_001406526.1); c.3064+1150T>A (NM_001406543.1); and 20 more.
Identifiers: ClinVar variation 3069400 (VCV003069400.1), dbSNP rs1377407580, ClinGen allele CA609963666.

ClinVar aggregate classification (germline): Uncertain significance (1 of 4 stars; one submission).

Conditions:
Wilson disease (WND). Also called: Wilson's disease. Identifiers: Orphanet 905, MedGen C0019202, MONDO:0010200, OMIM 277900. Disease mechanism: loss of function.

gnomAD v4.1: 6 of 1,614,140 alleles (0.00037%); highest among the groups gnomAD compares: Non-Finnish European, 0.00051%; no homozygotes.

Submission:

All of Us Research Program, National Institutes of Health
Classification: Uncertain significance for Wilson disease. Last evaluated: 2023-02-15. Review status: criteria provided, single submitter. Criteria: ACMG Guidelines, 2015. Collection method: clinical testing. Allele origin: germline. Inheritance: Autosomal recessive inheritance. Observed: 1 variant allele, 1 heterozygote.
Comment: This variant causes a T to A nucleotide substitution at the -12 position of intron 15 of the ATP7B gene. To our knowledge, functional studies have not been reported for this variant. This variant has not been reported in individuals affected with Wilson disease in the literature. This variant has been identified in 1/249564 chromosomes in the general population by the Genome Aggregation Database (gnomAD). The available evidence is insufficient to determine the role of this variant in disease conclusively. Therefore, this variant is classified as a Variant of Uncertain Significance.

This study involves interpretation of variants in research participants for the purpose of population health screening. Participant phenotype was not available at the time of variant classification. Additional details can be found in publication PMID: 35346344, PMCID: PMC8962531